The following is an entry in ClinVar:

ClinVar aggregate classification (germline): Benign/Likely benign. Review status: criteria provided, multiple submitters, no conflicts (2 of 4 stars). 2 submissions from 2 submitters: Benign (1); Likely benign (1). Last evaluated 2026-06-04.

Conditions:
Colorectal cancer, susceptibility to, 1. Also called: COLORECTAL ADENOMA AND CANCER, SUSCEPTIBILITY TO; COLORECTAL CANCER, SUSCEPTIBILITY TO, ON CHROMOSOME 9. Identifiers: MedGen C1837315, MONDO:0012132, OMIM 608812.

Submissions (2):

Ambry Genetics
Classification: Likely benign. Last evaluated: 2026-06-04. Review status: criteria provided, single submitter. Criteria: Ambry Variant Classification Scheme 2023. Collection method: clinical testing. Allele origin: germline.

Myriad Genetics, Inc.
Classification: Benign for Colorectal cancer, susceptibility to, 1. Last evaluated: 2026-04-22. Review status: criteria provided, single submitter. Criteria: Myriad Autosomal Dominant, Autosomal Recessive and X-Linked Classification Criteria (2023). Collection method: clinical testing. Allele origin: unknown.
Comment: This variant is considered benign. This variant is a silent/synonymous amino acid change and it is not expected to impact splicing.

NM_024642.5(GALNT12):c.64T>C (p.Leu22=)

Genes: GALNT12 (polypeptide N-acetylgalactosaminyltransferase 12; plus strand), LOC130002222 (ATAC-STARR-seq lymphoblastoid silent region 20123; plus strand). Cytogenetic location: 9q22.33.
Variant type: single nucleotide variant.
Coding change: c.64T>C on transcript NM_024642.5 (MANE Select); coding-DNA position 64, T replaced by C.
Protein change: p.Leu22=; no amino-acid change (leucine 22 retained).
Molecular consequence: synonymous variant.
Genome position (GRCh38, 1-based): chr9:98,807,762, T>C. VCF-style: chr9-98807762-T-C. GRCh37 (hg19) VCF-style: chr9-101570044-T-C.
Identifiers: ClinVar variation 4871652 (VCV004871652.2).